The following is an entry in ClinVar:

NM_001242896.3(DEPDC5):c.3509C>T (p.Ser1170Phe)

Gene: DEPDC5 (DEP domain containing 5, GATOR1 subcomplex subunit; plus strand). Cytogenetic location: 22q12.3.
Variant type: single nucleotide variant.
Coding change: c.3509C>T on transcript NM_001242896.3 (MANE Select); coding-DNA position 3509, C replaced by T.
Protein change: p.Ser1170Phe; replaces serine 1170 with phenylalanine.
Molecular consequence: missense variant. On other transcripts: non-coding transcript variant (4).
Genome position (GRCh38, 1-based): chr22:31,873,278, C>T. VCF-style: chr22-31873278-C-T. GRCh37 (hg19) VCF-style: chr22-32269264-C-T.
Other names: c.3482C>T, p.Ser1161Phe (NM_001136029.4); c.3209C>T, p.Ser1070Phe (NM_001242897.2); c.3443C>T, p.Ser1148Phe (NM_001363852.2, NM_001364320.2); c.3275C>T, p.Ser1092Phe (NM_001363854.2, NM_001364319.2); c.3509C>T, p.Ser1170Phe (NM_001364318.2); c.3425C>T, p.Ser1142Phe (NM_001369901.1, NM_001369902.1); c.3416C>T, p.Ser1139Phe (NM_001369903.1, NM_014662.6); short protein forms S1142F, S1148F, S1161F, S1070F, S1170F, S1139F, S1092F.
Identifiers: ClinVar variation 1964437 (VCV001964437.5), dbSNP rs2522342138, ClinGen allele CA411277286.
Genomic context (GRCh38, chr22:31,873,278, plus strand): 5'-CCATCTTGCTTTGCTGACCTGACACCCTGTGTTACAGCTCTCAGCAGCTGGTGGCAAGCT[C>T]CTTGACCTCATCCTCTACCCTGACAGAGATCCTGGAAGCCATGAAGCACCCCTCGTAAGT-3'
Protein context (NP_001229825.1, residues 1160-1180): DSSSQQLVAS[Ser1170Phe]LTSSSTLTEI

ClinVar aggregate classification (germline): Uncertain significance (1 of 4 stars; one submission).

Conditions:
Familial focal epilepsy with variable foci (FPEVF). Identifiers: Orphanet 98820, MedGen C1858477, MONDO:0020310.

Allele frequency attached by ClinVar (database versions not stated): gnomAD exomes below 0.00001.
gnomAD v4.1: 2 of 1,614,126 alleles (0.00012%); highest among the groups gnomAD compares: Non-Finnish European, 0.00017%; no homozygotes.

Submission:

Labcorp Genetics (formerly Invitae), Labcorp
Classification: Uncertain significance for Familial focal epilepsy with variable foci. Last evaluated: 2022-08-03. Review status: criteria provided, single submitter. Criteria: Invitae Variant Classification Sherloc (09022015). Collection method: clinical testing. Allele origin: germline.
Comment: In summary, the available evidence is currently insufficient to determine the role of this variant in disease. Therefore, it has been classified as a Variant of Uncertain Significance. Algorithms developed to predict the effect of missense changes on protein structure and function are either unavailable or do not agree on the potential impact of this missense change (SIFT: "Deleterious"; PolyPhen-2: "Not Available"; Align-GVGD: "Class C0"). This variant has not been reported in the literature in individuals affected with DEPDC5-related conditions. This variant is not present in population databases (gnomAD no frequency). This sequence change replaces serine, which is neutral and polar, with phenylalanine, which is neutral and non-polar, at codon 1170 of the DEPDC5 protein (p.Ser1170Phe).